The following is an entry in ClinVar:

ClinVar aggregate classification (germline): Benign/Likely benign. Review status: criteria provided, multiple submitters, no conflicts (2 of 4 stars). 3 submissions from 3 submitters: Benign (1); Likely benign (2). Last evaluated 2025-12-29.

Conditions:
Hereditary cancer-predisposing syndrome. Also called: Neoplastic Syndromes, Hereditary; Hereditary neoplastic syndrome; Tumor predisposition; Hereditary Cancer Syndrome. Identifiers: Orphanet 140162, MedGen C0027672, MeSH D009386, MONDO:0015356.
POLD1-related polyposis and colorectal cancer syndrome (CRCS10). Also called: Colorectal cancer 10; COLORECTAL CANCER, SUSCEPTIBILITY TO, ON CHROMOSOME 19q; Colorectal cancer, susceptibility to, 10. Identifiers: Orphanet 220460, MedGen C2675481, MONDO:0012953, OMIM 612591.

gnomAD v4.1: 1 of 1,560,960 alleles (0.000064%); highest among the groups gnomAD compares: Admixed American, 0.0019%; no homozygotes.

Submissions (3):

Labcorp Genetics (formerly Invitae), Labcorp
Classification: Likely benign for POLD1-related polyposis and colorectal cancer syndrome. Last evaluated: 2025-12-29. Review status: criteria provided, single submitter. Criteria: Invitae Variant Classification Sherloc (09022015). Collection method: clinical testing. Allele origin: germline.

Myriad Genetics, Inc.
Classification: Benign for POLD1-related polyposis and colorectal cancer syndrome. Last evaluated: 2025-02-05. Review status: criteria provided, single submitter. Criteria: Myriad Autosomal Dominant, Autosomal Recessive and X-Linked Classification Criteria (2023). Collection method: clinical testing. Allele origin: unknown.
Comment: This variant is considered benign. This variant is a silent/synonymous amino acid change and it is not expected to impact splicing.

Ambry Genetics
Classification: Likely benign for Hereditary cancer-predisposing syndrome. Last evaluated: 2021-06-23. Review status: criteria provided, single submitter. Criteria: Ambry Variant Classification Scheme 2023. Collection method: clinical testing. Allele origin: germline.

NM_002691.4(POLD1):c.1069C>T (p.Leu357=)

Gene: POLD1 (DNA polymerase delta 1, catalytic subunit; plus strand). Cytogenetic location: 19q13.33.
Variant type: single nucleotide variant.
Coding change: c.1069C>T on transcript NM_002691.4 (MANE Select); coding-DNA position 1069, C replaced by T.
Protein change: p.Leu357=; no amino-acid change (leucine 357 retained).
Molecular consequence: synonymous variant. On other transcripts: non-coding transcript variant (1).
Genome position (GRCh38, 1-based): chr19:50,403,151, C>T. VCF-style: chr19-50403151-C-T. GRCh37 (hg19) VCF-style: chr19-50906408-C-T.
Other names: c.1069C>T, p.Leu357= (NM_001256849.1, NM_001308632.1).
Identifiers: ClinVar variation 469171 (VCV000469171.14), dbSNP rs766467152, ClinGen allele CA508182680.